The following is an entry in ClinVar:

NM_001378454.1(ALMS1):c.137_148dup (p.Glu49_Ala50insValGluGluGlu)

Gene: ALMS1 (ALMS1 centrosome and basal body associated protein; plus strand). Cytogenetic location: 2p13.1.
Variant type: Duplication.
Coding change: c.137_148dup on transcript NM_001378454.1 (MANE Select); coding-DNA positions 137 to 148, 12 bases duplicated (TGGAGGAAGAGG).
Protein change: p.Glu49_Ala50insValGluGluGlu.
Molecular consequence: inframe insertion.
Genome position (GRCh38, 1-based): chr2:73,386,005-73,386,016, TGGAGGAAGAGG duplicated; duplicating any 12 consecutive bases within chr2:73,386,001-73,386,016 gives the same sequence; the c. name uses the placement nearest the transcript's 3' end. VCF-style (leftmost placement, unchanged base first): chr2-73386000-G-GGAGGTGGAGGAA. GRCh37 (hg19) VCF-style: chr2-73613128-G-GGAGGTGGAGGAA.
Other names: c.140_151dup12 (NM_015120.4); c.140_151dup, p.Glu50_Ala51insValGluGluGlu (NM_015120.4).
Identifiers: ClinVar variation 4985529 (VCV004985529.1).
Genomic context (GRCh38, chr2:73,386,000, plus strand): 5'-GGAAGAGGAGGAGGCTGCAGCGGCGGCGGCGGCGAACGTGGACGACGTAGTGGTCGTGGA[G>GGAGGTGGAGGAA]GAGGTGGAGGAAGAGGCGGGGCGGGAGTTGGACTCCGACTCTCACTACGGGCCCCAGCAT-3'

ClinVar aggregate classification (germline): Uncertain significance (1 of 4 stars; one submission).

Conditions:
ALMS1-related disorder. Also called: ALMS1-related condition.

Submission:

PreventionGenetics, part of Exact Sciences
Classification: Uncertain significance for ALMS1-related condition. Last evaluated: 2025-10-31. Review status: criteria provided, single submitter. Criteria: ACMG Guidelines, 2015. Collection method: clinical testing. Allele origin: germline.
Comment: The ALMS1 c.140_151dup12 variant is predicted to result in an in-frame duplication (p.Glu47_Ala50dup). To our knowledge, this variant has not been reported in the literature. This variant is reported in 0.0016% of alleles in individuals of European (Non-Finnish) descent in gnomAD. At this time, the clinical significance of this variant is uncertain due to the absence of conclusive functional and genetic evidence.